The following is an entry in ClinVar:

ClinVar aggregate classification (germline): Uncertain significance (1 of 4 stars; one submission).

Conditions:
Inborn genetic diseases. Identifiers: MedGen C0950123, MeSH D030342.

Submission:

Ambry Genetics
Classification: Uncertain significance for Inborn genetic diseases. Last evaluated: 2026-01-20. Review status: criteria provided, single submitter. Criteria: Ambry Variant Classification Scheme 2023. Collection method: clinical testing. Allele origin: germline.
Comment: The p.S1509T variant (also known as c.4526G>C), located in coding exon 13 of the ASXL1 gene, results from a G to C substitution at nucleotide position 4526. The serine at codon 1509 is replaced by threonine, an amino acid with similar properties. This amino acid position is conserved. In addition, this alteration is predicted to be tolerated by in silico analysis. Based on the available evidence, the clinical significance of this variant remains unclear.

NM_015338.6(ASXL1):c.4526G>C (p.Ser1509Thr)

Gene: ASXL1 (ASXL transcriptional regulator 1; plus strand). Cytogenetic location: 20q11.21.
Variant type: single nucleotide variant.
Coding change: c.4526G>C on transcript NM_015338.6 (MANE Select); coding-DNA position 4526, G replaced by C.
Protein change: p.Ser1509Thr; replaces serine 1509 with threonine.
Molecular consequence: missense variant.
Genome position (GRCh38, 1-based): chr20:32,437,238, G>C. VCF-style: chr20-32437238-G-C. GRCh37 (hg19) VCF-style: chr20-31025041-G-C.
Other names: c.4343G>C, p.Ser1448Thr (NM_001363734.1); short protein forms S1448T, S1509T.
Identifiers: ClinVar variation 4825193 (VCV004825193.1).